The following is an entry in ClinVar:

NM_001256071.3(RNF213):c.12352T>C (p.Ser4118Pro)

Genes: RNF213 (ring finger protein 213; plus strand), RNF213-AS1 (RNF213 antisense RNA 1; minus strand). Cytogenetic location: 17q25.3.
Variant type: single nucleotide variant.
Coding change: c.12352T>C on transcript NM_001256071.3 (MANE Select); coding-DNA position 12352, T replaced by C.
Protein change: p.Ser4118Pro; replaces serine 4118 with proline.
Molecular consequence: missense variant.
Genome position (GRCh38, 1-based): chr17:80,369,794, T>C. VCF-style: chr17-80369794-T-C. GRCh37 (hg19) VCF-style: chr17-78343594-T-C.
Other names: c.12499T>C, p.Ser4167Pro (NM_001410195.1, NM_020914.5); short protein forms S4118P, S4167P.
Identifiers: ClinVar variation 3252942 (VCV003252942.1), dbSNP rs2511490484.

ClinVar aggregate classification (germline): Pathogenic (1 of 4 stars; one submission).

Submission:

GeneDx
Classification: Pathogenic. Last evaluated: 2024-05-02. Review status: criteria provided, single submitter. Criteria: GeneDx Variant Classification Process June 2021. Collection method: clinical testing. Allele origin: germline. Affected: yes.
Comment: Not observed at significant frequency in large population cohorts (gnomAD); In silico analysis supports that this missense variant has a deleterious effect on protein structure/function; Has not been previously published as pathogenic or benign to our knowledge